The following is an entry in ClinVar:

ClinVar aggregate classification (germline): Uncertain significance (1 of 4 stars; one submission).

Conditions:
Birt-Hogg-Dube syndrome. Also called: Birt Hogg Dubé syndrome. Identifiers: Orphanet 122, MedGen C0346010, MONDO:0800444.

Submission:

Labcorp Genetics (formerly Invitae), Labcorp
Classification: Uncertain significance for Birt-Hogg-Dube syndrome. Last evaluated: 2022-09-13. Review status: criteria provided, single submitter. Criteria: Invitae Variant Classification Sherloc (09022015). Collection method: clinical testing. Allele origin: germline.
Comment: In summary, the available evidence is currently insufficient to determine the role of this variant in disease. Therefore, it has been classified as a Variant of Uncertain Significance. Advanced modeling of protein sequence and biophysical properties (such as structural, functional, and spatial information, amino acid conservation, physicochemical variation, residue mobility, and thermodynamic stability) performed at Invitae indicates that this missense variant is not expected to disrupt FLCN protein function. This variant has not been reported in the literature in individuals affected with FLCN-related conditions. This variant is not present in population databases (gnomAD no frequency). This sequence change replaces glutamic acid, which is acidic and polar, with glycine, which is neutral and non-polar, at codon 70 of the FLCN protein (p.Glu70Gly).

NM_144997.7(FLCN):c.209A>G (p.Glu70Gly)

Gene: FLCN (folliculin; minus strand). Cytogenetic location: 17p11.2.
Variant type: single nucleotide variant.
Coding change: c.209A>G on transcript NM_144997.7 (MANE Select); coding-DNA position 209, A replaced by G.
Protein change: p.Glu70Gly; replaces glutamic acid 70 with glycine.
Molecular consequence: missense variant.
Genome position (GRCh38, 1-based): chr17:17,227,929, T>C on the plus strand (A>G on the coding strand, the complement: FLCN is on the minus strand). VCF-style: chr17-17227929-T-C. GRCh37 (hg19) VCF-style: chr17-17131243-T-C.
Other names: c.209A>G, p.Glu70Gly (NM_001353229.2, NM_001353230.2, NM_001353231.2 and 1 more transcripts); short protein forms E70G.
Identifiers: ClinVar variation 2112881 (VCV002112881.4), dbSNP rs2145040560, ClinGen allele CA398535099.